The following is an entry in ClinVar:

NM_001177701.3(IFT27):c.77G>T (p.Arg26Leu)

Gene: IFT27 (intraflagellar transport 27; minus strand). Cytogenetic location: 22q12.3.
Variant type: single nucleotide variant.
Coding change: c.77G>T on transcript NM_001177701.3 (MANE Select); coding-DNA position 77, G replaced by T.
Protein change: p.Arg26Leu; replaces arginine 26 with leucine.
Molecular consequence: missense variant.
Genome position (GRCh38, 1-based): chr22:36,767,820, C>A on the plus strand (G>T on the coding strand, the complement: IFT27 is on the minus strand). VCF-style: chr22-36767820-C-A. GRCh37 (hg19) VCF-style: chr22-37163864-C-A.
Other names: c.77G>T, p.Arg26Leu (NM_001363003.2); c.74G>T, p.Arg25Leu (NM_006860.5); short protein forms R25L, R26L.
Identifiers: ClinVar variation 4984326 (VCV004984326.1).

ClinVar aggregate classification (germline): Uncertain significance (1 of 4 stars; one submission).

Conditions:
IFT27-related disorder. Also called: IFT27-related condition.

gnomAD v4.1: 6 of 1,614,174 alleles (0.00037%); highest among the groups gnomAD compares: African/African-American, 0.0013%; no homozygotes.

Submission:

PreventionGenetics, part of Exact Sciences
Classification: Uncertain significance for IFT27-related condition. Last evaluated: 2026-05-14. Review status: criteria provided, single submitter. Criteria: ACMG Guidelines, 2015. Collection method: clinical testing. Allele origin: germline.
Comment: The IFT27 c.74G>T variant is predicted to result in the amino acid substitution p.Arg25Leu. To our knowledge, this variant has not been reported in the literature. This variant is reported in 0.011% of alleles in individuals of African descent in gnomAD. At this time, the clinical significance of this variant is uncertain due to the absence of conclusive functional and genetic evidence.